The following is an entry in ClinVar:

NM_000051.4(ATM):c.2752T>C (p.Phe918Leu)

Gene: ATM (ATM serine/threonine kinase; plus strand). Cytogenetic location: 11q22.3.
Variant type: single nucleotide variant.
Coding change: c.2752T>C on transcript NM_000051.4 (MANE Select); coding-DNA position 2752, T replaced by C.
Protein change: p.Phe918Leu; replaces phenylalanine 918 with leucine.
Molecular consequence: missense variant.
Genome position (GRCh38, 1-based): chr11:108,268,523, T>C. VCF-style: chr11-108268523-T-C. GRCh37 (hg19) VCF-style: chr11-108139250-T-C.
Other names: c.2752T>C, p.Phe918Leu (NM_001351834.2); short protein forms F918L.
Identifiers: ClinVar variation 407480 (VCV000407480.9), dbSNP rs1060501549, ClinGen allele CA16613028.

ClinVar aggregate classification (germline): Uncertain significance. Review status: criteria provided, multiple submitters, no conflicts (2 of 4 stars). 2 submissions from 2 submitters: Uncertain significance (2). Last evaluated 2024-11-22.

Conditions:
Hereditary cancer-predisposing syndrome. Also called: Hereditary neoplastic syndrome; Neoplastic Syndromes, Hereditary; Tumor predisposition; Hereditary Cancer Syndrome. Identifiers: Orphanet 140162, MedGen C0027672, MeSH D009386, MONDO:0015356.
Ataxia-telangiectasia syndrome (AT). Also called: Ataxia telangiectasia (A-T); LOUIS-BAR SYNDROME; Cerebello-oculocutaneous telangiectasia; Immunodeficiency with ataxia telangiectasia; Ataxia-telangiectasia, complementation group D; AT, COMPLEMENTATION GROUP C. Identifiers: Orphanet 100, MedGen C0004135, MONDO:0008840, OMIM 208900.

Submissions (2):

Ambry Genetics
Classification: Uncertain significance for Hereditary cancer-predisposing syndrome. Last evaluated: 2024-11-22. Review status: criteria provided, single submitter. Criteria: Ambry Variant Classification Scheme 2023. Collection method: clinical testing. Allele origin: germline.
Comment: The p.F918L variant (also known as c.2752T>C), located in coding exon 17 of the ATM gene, results from a T to C substitution at nucleotide position 2752. The phenylalanine at codon 918 is replaced by leucine, an amino acid with highly similar properties. This amino acid position is conserved. In addition, the in silico prediction for this alteration is inconclusive. Based on the available evidence, the clinical significance of this variant remains unclear.

Labcorp Genetics (formerly Invitae), Labcorp
Classification: Uncertain significance for Ataxia-telangiectasia syndrome. Last evaluated: 2016-10-12. Review status: criteria provided, single submitter. Criteria: Invitae Variant Classification Sherloc (09022015). Collection method: clinical testing. Allele origin: germline.
Comment: This sequence change replaces phenylalanine with leucine at codon 918 of the ATM protein (p.Phe918Leu). The phenylalanine residue is moderately conserved and there is a small physicochemical difference between phenylalanine and leucine. This variant is not present in population databases (ExAC no frequency) and has not been reported in the literature in individuals with a ATM-related disease. In summary, this variant is a novel missense change with uncertain impact on protein function. It has been classified as a Variant of Uncertain Significance. Algorithms developed to predict the effect of missense changes on protein structure and function do not agree on the potential impact of this missense change (SIFT: "Tolerated"; PolyPhen-2: "Possibly Damaging"; Align-GVGD: "Class C0").